The following is an entry in ClinVar:

ClinVar aggregate classification (germline): Uncertain significance (1 of 4 stars; one submission).

Conditions:
Ullrich congenital muscular dystrophy 2 (UCMD2). Identifiers: Orphanet 75840, MedGen C4225314, MONDO:0014654, OMIM 616470.
Bethlem myopathy 2 (BTHLM2). Identifiers: Orphanet 536516, Orphanet 610, MedGen C4225313, MONDO:0034022, OMIM 616471.

Allele frequency attached by ClinVar (database versions not stated): gnomAD exomes below 0.00001.

Submission:

Labcorp Genetics (formerly Invitae), Labcorp
Classification: Uncertain significance for Bethlem myopathy 2; Ullrich congenital muscular dystrophy 2. Last evaluated: 2025-10-06. Review status: criteria provided, single submitter. Criteria: Invitae Variant Classification Sherloc (09022015). Collection method: clinical testing. Allele origin: germline.
Comment: This sequence change replaces arginine, which is basic and polar, with glycine, which is neutral and non-polar, at codon 607 of the COL12A1 protein (p.Arg607Gly). This variant is present in population databases (no rsID available, gnomAD 0.0009%). This variant has not been reported in the literature in individuals affected with COL12A1-related conditions. ClinVar contains an entry for this variant (Variation ID: 1967532). Invitae Evidence Modeling of protein sequence and biophysical properties (such as structural, functional, and spatial information, amino acid conservation, physicochemical variation, residue mobility, and thermodynamic stability) has been performed for this missense variant. However, the output from this modeling did not meet the statistical confidence thresholds required to predict the impact of this variant on COL12A1 protein function. In summary, the available evidence is currently insufficient to determine the role of this variant in disease. Therefore, it has been classified as a Variant of Uncertain Significance.

NM_004370.6(COL12A1):c.1819A>G (p.Arg607Gly)

Gene: COL12A1 (collagen type XII alpha 1 chain; minus strand). Cytogenetic location: 6q13.
Variant type: single nucleotide variant.
Coding change: c.1819A>G on transcript NM_004370.6 (MANE Select); coding-DNA position 1819, A replaced by G.
Protein change: p.Arg607Gly; replaces arginine 607 with glycine.
Molecular consequence: missense variant. On other transcripts: intron variant (1).
Genome position (GRCh38, 1-based): chr6:75,183,122, T>C on the plus strand (A>G on the coding strand, the complement: COL12A1 is on the minus strand). VCF-style: chr6-75183122-T-C. GRCh37 (hg19) VCF-style: chr6-75892838-T-C.
Other names: c.73+19598A>G (NM_080645.3); short protein forms R607G.
Identifiers: ClinVar variation 1967532 (VCV001967532.5), dbSNP rs1182160210, ClinGen allele CA364768549.